The following is an entry in ClinVar:

ClinVar aggregate classification (germline): Uncertain significance (1 of 4 stars; one submission).

Submission:

Labcorp Genetics (formerly Invitae), Labcorp
Classification: Uncertain significance. Last evaluated: 2025-10-09. Review status: criteria provided, single submitter. Criteria: Invitae Variant Classification Sherloc (09022015). Collection method: clinical testing. Allele origin: germline.
Comment: This sequence change replaces glutamic acid, which is acidic and polar, with aspartic acid, which is acidic and polar, at codon 282 of the EIF2B2 protein (p.Glu282Asp). This variant is present in population databases (rs781211698, gnomAD 0.006%). This variant has not been reported in the literature in individuals affected with EIF2B2-related conditions. Invitae Evidence Modeling of protein sequence and biophysical properties (such as structural, functional, and spatial information, amino acid conservation, physicochemical variation, residue mobility, and thermodynamic stability) indicates that this missense variant is not expected to disrupt EIF2B2 protein function with a negative predictive value of 80%. In summary, the available evidence is currently insufficient to determine the role of this variant in disease. Therefore, it has been classified as a Variant of Uncertain Significance.

NM_014239.4(EIF2B2):c.846A>C (p.Glu282Asp)

Gene: EIF2B2 (eukaryotic translation initiation factor 2B subunit beta; plus strand). Cytogenetic location: 14q24.3.
Variant type: single nucleotide variant.
Coding change: c.846A>C on transcript NM_014239.4 (MANE Select); coding-DNA position 846, A replaced by C.
Protein change: p.Glu282Asp; replaces glutamic acid 282 with aspartic acid.
Molecular consequence: missense variant.
Genome position (GRCh38, 1-based): chr14:75,007,736, A>C. VCF-style: chr14-75007736-A-C. GRCh37 (hg19) VCF-style: chr14-75474439-A-C.
Other names: short protein forms E282D.
Identifiers: ClinVar variation 4801998 (VCV004801998.1).
Genomic context (GRCh38, chr14:75,007,736, plus strand): 5'-GTGGAATTGCTGGGTCTCTAGTTTTTATAAATTTTTTCCTTTTTAGTTCCCCAATGAAGA[A>C]GACTCATTTCATAAGTTTGTGGCTCCTGAAGAAGTCCTGCCATTCACAGAAGGTACAGAA-3'
Protein context (NP_055054.1, residues 272-292): FKLSPQFPNE[Glu282Asp]DSFHKFVAPE